The following is an entry in ClinVar:

NM_182760.4(SUMF1):c.552del (p.Gly185fs)

Gene: SUMF1 (sulfatase modifying factor 1; minus strand). Cytogenetic location: 3p26.1.
Variant type: Deletion.
Coding change: c.552del on transcript NM_182760.4 (MANE Select); coding-DNA position 552, one base deleted (A; older notation c.552delA).
Protein change: p.Gly185fs; shifts the reading frame from glycine 185.
Molecular consequence: frameshift variant.
Genome position (GRCh38, 1-based): chr3:4,420,114, T deleted on the plus strand (A on the coding strand, the reverse complement: SUMF1 is on the minus strand); the first of 3 consecutive T bases (chr3:4,420,114-4,420,116); deleting any one gives the same sequence. VCF-style (leftmost placement, unchanged base first): chr3-4420113-CT-C. GRCh37 (hg19) VCF-style: chr3-4461797-CT-C.
Other names: c.477del, p.Gly160fs (NM_001164674.2); c.552del, p.Gly185fs (NM_001164675.2); short protein forms G160fs, G185fs.
Identifiers: ClinVar variation 2081614 (VCV002081614.4), dbSNP rs2469868522, ClinGen allele CA2580069178.

ClinVar aggregate classification (germline): Pathogenic (1 of 4 stars; one submission).

Conditions:
Multiple sulfatase deficiency (MSD). Also called: Mucosulfatidosis; Multiple Sulfatase Deficiency Disease; Sulfatidosis, Juvenile, Austin Type. Identifiers: Orphanet 585, MedGen C0268263, MONDO:0010088, OMIM 272200.

Submission:

Labcorp Genetics (formerly Invitae), Labcorp
Classification: Pathogenic for Multiple sulfatase deficiency. Last evaluated: 2022-06-17. Review status: criteria provided, single submitter. Criteria: Invitae Variant Classification Sherloc (09022015). Collection method: clinical testing. Allele origin: germline.
Comment: For these reasons, this variant has been classified as Pathogenic. Algorithms developed to predict the effect of sequence changes on RNA splicing suggest that this variant may create or strengthen a splice site. This variant has not been reported in the literature in individuals affected with SUMF1-related conditions. This variant is not present in population databases (gnomAD no frequency). This sequence change creates a premature translational stop signal (p.Gly185Alafs*83) in the SUMF1 gene. It is expected to result in an absent or disrupted protein product. Loss-of-function variants in SUMF1 are known to be pathogenic (PMID: 12757705, 12757706, 25885655).

Literature cited by the submitters: PubMed 12757705; PubMed 12757706; PubMed 25885655.